The following is an entry in ClinVar:

NM_003201.3(TFAM):c.534G>A (p.Pro178=)

Gene: TFAM (transcription factor A, mitochondrial; plus strand). Cytogenetic location: 10q21.1.
Variant type: single nucleotide variant.
Coding change: c.534G>A on transcript NM_003201.3 (MANE Select); coding-DNA position 534, G replaced by A.
Protein change: p.Pro178=; no amino-acid change (proline 178 retained).
Molecular consequence: synonymous variant. On other transcripts: non-coding transcript variant (1), intron variant (1).
Genome position (GRCh38, 1-based): chr10:58,390,857, G>A. VCF-style: chr10-58390857-G-A. GRCh37 (hg19) VCF-style: chr10-60150617-G-A.
Other names: c.441+2038G>A (NM_001270782.2).
Identifiers: ClinVar variation 1320584 (VCV001320584.30), dbSNP rs371492198, ClinGen allele CA5507989.

ClinVar aggregate classification (germline): Likely benign. Review status: criteria provided, multiple submitters, no conflicts (2 of 4 stars). 3 submissions from 3 submitters: Likely benign (3). Last evaluated 2025-11-19.

Allele frequency attached by ClinVar (database versions not stated): ESP Exome Variant Server 0.00015.
gnomAD v4.1: 324 of 1,611,710 alleles (0.02%); highest among the groups gnomAD compares: South Asian, 0.13%; 1 homozygote.

Submissions (3):

Labcorp Genetics (formerly Invitae), Labcorp
Classification: Likely benign. Last evaluated: 2025-11-19. Review status: criteria provided, single submitter. Criteria: Invitae Variant Classification Sherloc (09022015). Collection method: clinical testing. Allele origin: germline.

CeGaT Center for Human Genetics Tuebingen
Classification: Likely benign. Last evaluated: 2024-11-01. Review status: criteria provided, single submitter. Criteria: CeGaT Center For Human Genetics Tuebingen Variant Classification Criteria Version 2. Collection method: clinical testing. Allele origin: germline. Affected: yes. Observed: 2 variant alleles.
Comment: TFAM: BP4, BP7

GeneDx
Classification: Likely benign. Last evaluated: 2019-02-08. Review status: criteria provided, single submitter. Criteria: GeneDx Variant Classification Process June 2021. Collection method: clinical testing. Allele origin: germline. Affected: yes.